The following is an entry in ClinVar:

ClinVar aggregate classification (germline): Uncertain significance (1 of 4 stars; one submission).

Allele frequency attached by ClinVar (database versions not stated): TOPMed below 0.00001; gnomAD 0.00001.
gnomAD v4.1: 1 of 1,613,556 alleles (0.000062%); highest among the groups gnomAD compares: African/African-American, 0.0013%; no homozygotes.

Submission:

GeneDx
Classification: Uncertain significance. Last evaluated: 2022-11-14. Review status: criteria provided, single submitter. Criteria: GeneDx Variant Classification Process June 2021. Collection method: clinical testing. Allele origin: germline. Affected: yes.
Comment: Not observed at significant frequency in large population cohorts (gnomAD); In silico analysis supports that this missense variant does not alter protein structure/function; Has not been previously published as pathogenic or benign to our knowledge

NM_001256012.3(MYH10):c.3937G>A (p.Ala1313Thr)

Gene: MYH10 (myosin heavy chain 10; minus strand). Cytogenetic location: 17p13.1.
Variant type: single nucleotide variant.
Coding change: c.3937G>A on transcript NM_001256012.3 (MANE Select); coding-DNA position 3937, G replaced by A.
Protein change: p.Ala1313Thr; replaces alanine 1313 with threonine.
Molecular consequence: missense variant.
Genome position (GRCh38, 1-based): chr17:8,499,284, C>T on the plus strand (G>A on the coding strand, the complement: MYH10 is on the minus strand). VCF-style: chr17-8499284-C-T. GRCh37 (hg19) VCF-style: chr17-8402602-C-T.
Other names: c.3871G>A, p.Ala1291Thr (NM_001256095.2); c.3874G>A, p.Ala1292Thr (NM_001375266.1); c.3844G>A, p.Ala1282Thr (NM_005964.5); short protein forms A1282T, A1291T, A1292T, A1313T.
Identifiers: ClinVar variation 2501890 (VCV002501890.1), dbSNP rs1268538795, ClinGen allele CA398034540.